The following is an entry in ClinVar:

NM_018897.3(DNAH7):c.870-1G>T

Gene: DNAH7 (dynein axonemal heavy chain 7; minus strand). Cytogenetic location: 2q32.3.
Variant type: single nucleotide variant.
Coding change: c.870-1G>T on transcript NM_018897.3 (MANE Select); the canonical splice acceptor site of the intron before coding-DNA position 870, G replaced by T.
Molecular consequence: splice acceptor variant.
Genome position (GRCh38, 1-based): chr2:196,012,907, C>A on the plus strand (G>T on the coding strand, the complement: DNAH7 is on the minus strand). VCF-style: chr2-196012907-C-A. GRCh37 (hg19) VCF-style: chr2-196877631-C-A.
Identifiers: ClinVar variation 4279638 (VCV004279638.1).

ClinVar aggregate classification (germline): Likely pathogenic (1 of 4 stars; one submission).

Conditions:
Ciliary dyskinesia, primary, 50 (CILD50). Identifiers: MedGen C5830473, MONDO:0957252, OMIM 620356.

Submission:

Diagnostics Services (NGS), CSIR - Centre For Cellular And Molecular Biology
Classification: Likely pathogenic for Ciliary dyskinesia, primary, 50. Last evaluated: 2025-08-14. Review status: criteria provided, single submitter. Criteria: ACMG Guidelines, 2015. Collection method: clinical testing. Allele origin: germline. Affected: yes. Observed: 1 variant allele, 1 heterozygote.
Comment: The c.870-1G>T variant is not present in publicly available population databases like 1000 Genomes, EVS, gnomAD, Indian Exome Database or our internal database. This variant has neither been published in the literature for DNAH7-related conditions nor reported to clinical databases like Human Genome Mutation Database (HGMD), ClinVar or OMIM in any affected individuals. Algorithms developed to predict the effect of sequence changes on RNA splicing suggest that this variant can disrupt the consensus splice site. In-silico pathogenicity prediction programs like HSF3.1, MutationTaster2021, CADD, Varsome, Franklin, etc predicted this variant to be likely deleterious, however these predictions were not confirmed by any published functional/translational studies.